The following is an entry in ClinVar:

NM_001365951.3(KIF1B):c.2837A>G (p.Asp946Gly)

Genes: KIF1B (kinesin family member 1B; plus strand), LOC126805614 (BRD4-independent group 4 enhancer GRCh37_chr1:10385546-10386745; plus strand). Cytogenetic location: 1p36.22.
Variant type: single nucleotide variant.
Coding change: c.2837A>G on transcript NM_001365951.3 (MANE Select); coding-DNA position 2837, A replaced by G.
Protein change: p.Asp946Gly; replaces aspartic acid 946 with glycine.
Molecular consequence: missense variant.
Genome position (GRCh38, 1-based): chr1:10,326,272, A>G. VCF-style: chr1-10326272-A-G. GRCh37 (hg19) VCF-style: chr1-10386330-A-G.
Other names: c.2837A>G, p.Asp946Gly (NM_001365952.1); c.2699A>G, p.Asp900Gly (NM_015074.3); short protein forms D946G, D900G.
Identifiers: ClinVar variation 1467554 (VCV001467554.10), dbSNP rs2102301877, ClinGen allele CA338337314.

ClinVar aggregate classification (germline): Uncertain significance. Review status: criteria provided, multiple submitters, no conflicts (2 of 4 stars). 2 submissions from 2 submitters: Uncertain significance (2). Last evaluated 2023-08-17.

Conditions:
Charcot-Marie-Tooth disease type 2. Also called: Charcot-Marie-Tooth type 2. Identifiers: Orphanet 64746, MedGen C0270914, MONDO:0018993.

Submissions (2):

Labcorp Genetics (formerly Invitae), Labcorp
Classification: Uncertain significance for Charcot-Marie-Tooth disease type 2. Last evaluated: 2023-08-17. Review status: criteria provided, single submitter. Criteria: Invitae Variant Classification Sherloc (09022015). Collection method: clinical testing. Allele origin: germline.
Comment: In summary, the available evidence is currently insufficient to determine the role of this variant in disease. Therefore, it has been classified as a Variant of Uncertain Significance. An algorithm developed to predict the effect of missense changes on protein structure and function (PolyPhen-2) suggests that this variant is likely to be disruptive. ClinVar contains an entry for this variant (Variation ID: 1467554). This variant has not been reported in the literature in individuals affected with KIF1B-related conditions. This variant is not present in population databases (gnomAD no frequency). This sequence change replaces aspartic acid, which is acidic and polar, with glycine, which is neutral and non-polar, at codon 900 of the KIF1B protein (p.Asp900Gly).

Ambry Genetics
Classification: Uncertain significance. Last evaluated: 2023-02-12. Review status: criteria provided, single submitter. Criteria: Ambry Variant Classification Scheme 2023. Collection method: clinical testing. Allele origin: germline.
Comment: The p.D900G variant (also known as c.2699A>G), located in coding exon 24 of the KIF1B gene, results from an A to G substitution at nucleotide position 2699. The aspartic acid at codon 900 is replaced by glycine, an amino acid with similar properties. This amino acid position is conserved. In addition, this alteration is predicted to be deleterious by in silico analysis. Since supporting evidence is limited at this time, the clinical significance of this alteration remains unclear.